The following is an entry in ClinVar:

ClinVar aggregate classification (germline): Pathogenic (1 of 4 stars; one submission).

Conditions:
Cardiovascular phenotype. Identifiers: MedGen CN230736.
Hereditary cancer-predisposing syndrome. Also called: Tumor predisposition; Neoplastic Syndromes, Hereditary; Hereditary Cancer Syndrome; Hereditary neoplastic syndrome. Identifiers: Orphanet 140162, MedGen C0027672, MeSH D009386, MONDO:0015356.

Submission:

Ambry Genetics
Classification: Pathogenic for Cardiovascular phenotype; Hereditary cancer-predisposing syndrome. Last evaluated: 2025-01-16. Review status: criteria provided, single submitter. Criteria: Ambry Variant Classification Scheme 2023. Collection method: clinical testing. Allele origin: germline.
Comment: The c.624delG pathogenic mutation, located in coding exon 6 of the NF1 gene, results from a deletion of one nucleotide at nucleotide position 624, causing a translational frameshift with a predicted alternate stop codon (p.Q209Sfs*2). This variant is considered to be rare based on population cohorts in the Genome Aggregation Database (gnomAD). This alteration is expected to result in loss of function by premature protein truncation or nonsense-mediated mRNA decay. As such, this alteration is interpreted as a disease-causing mutation.

NM_001042492.3(NF1):c.624del (p.Gln209fs)

Gene: NF1 (neurofibromin 1; plus strand). Cytogenetic location: 17q11.2.
Variant type: Deletion.
Coding change: c.624del on transcript NM_001042492.3 (MANE Select); coding-DNA position 624, one base deleted (G; older notation c.624delG).
Protein change: p.Gln209fs; shifts the reading frame from glutamine 209.
Molecular consequence: frameshift variant.
Genome position (GRCh38, 1-based): chr17:31,181,459, G deleted. VCF-style (leftmost placement, unchanged base first): chr17-31181458-CG-C. GRCh37 (hg19) VCF-style: chr17-29508476-CG-C.
Other names: c.624delG, p.Gln209Serfs (NM_000267.4); c.624del, p.Gln209fs (NM_001128147.3); c.624delG (NM_000267.3); short protein forms Q209fs.
Identifiers: ClinVar variation 3879045 (VCV003879045.1).